The following is an entry in ClinVar:

NM_020435.4(GJC2):c.1254_1256del (p.Lys418_Pro419delinsAsn)

Gene: GJC2 (gap junction protein gamma 2; plus strand). Cytogenetic location: 1q42.13.
Variant type: Deletion.
Coding change: c.1254_1256del on transcript NM_020435.4 (MANE Select); coding-DNA positions 1254 to 1256, 3 bases deleted (GCC; older notation c.1254_1256delGCC).
Protein change: p.Lys418_Pro419delinsAsn.
Molecular consequence: inframe indel.
Genome position (GRCh38, 1-based): chr1:228,159,012-228,159,014, GCC deleted. VCF-style (leftmost placement, unchanged base first): chr1-228159011-AGCC-A. GRCh37 (hg19) VCF-style: chr1-228346712-AGCC-A.
Other names: c.1254_1256delGCC (NM_020435.3).
Identifiers: ClinVar variation 1004704 (VCV001004704.11), dbSNP rs773338759, ClinGen allele CA1430976.
Genomic context (GRCh38, chr1:228,159,011, plus strand): 5'-CCTCTGCGGGCACTGTCGGGGAGCAGGGCCGGCCCGGCACCCACGAGCGGCCAGGAGCCA[AGCC>A]CAGGGCTGGCTCCGAGAAGGGCAGTGCCAGCAGCAGGGACGGGAAGACCACCGTGTGGAT-3'

ClinVar aggregate classification (germline): Uncertain significance. Review status: criteria provided, multiple submitters, no conflicts (2 of 4 stars). 3 submissions from 3 submitters: Uncertain significance (3). Last evaluated 2024-05-20.

Conditions:
Spastic paraplegia. Identifiers: MedGen C0037772, HP:0001258.
Inborn genetic diseases. Identifiers: MedGen C0950123, MeSH D030342.

Allele frequency attached by ClinVar (database versions not stated): gnomAD 0.00017 and 0.00018; TOPMed 0.00020; gnomAD exomes 0.00021 and 0.00022; ExAC 0.00032.

Submissions (3):

Labcorp Genetics (formerly Invitae), Labcorp
Classification: Uncertain significance for Spastic paraplegia. Last evaluated: 2024-05-20. Review status: criteria provided, single submitter. Criteria: Invitae Variant Classification Sherloc (09022015). Collection method: clinical testing. Allele origin: germline.
Comment: This variant, c.1254_1256del, is a complex sequence change that results in the deletion of 2 and insertion of 1 amino acid(s) in the GJC2 protein (p.Lys418_Pro419delinsAsn). This variant is present in population databases (rs773338759, gnomAD 0.04%). This variant has not been reported in the literature in individuals affected with GJC2-related conditions. ClinVar contains an entry for this variant (Variation ID: 1004704). Experimental studies and prediction algorithms are not available or were not evaluated, and the functional significance of this variant is currently unknown. In summary, the available evidence is currently insufficient to determine the role of this variant in disease. Therefore, it has been classified as a Variant of Uncertain Significance.

Blueprint Genetics
Classification: Uncertain significance. Last evaluated: 2024-01-10. Review status: criteria provided, single submitter. Criteria: ACMG Guidelines, 2015. Collection method: clinical testing. Allele origin: germline.

Ambry Genetics
Classification: Uncertain significance for Inborn genetic diseases. Last evaluated: 2023-08-23. Review status: criteria provided, single submitter. Criteria: Ambry Variant Classification Scheme 2023. Collection method: clinical testing. Allele origin: germline.
Comment: The c.1254_1256delGCC (p.K418_P419delinsN) alteration is located in exon 2 (coding exon 1) of the GJC2 gene. This alteration consists of an in-frame deletion of 3 nucleotides between nucleotide positions c.1254 and c.1256, resulting in the deletion of 1 residue. The p.K418_P419delinsN alteration is predicted to be inconclusive with a score of -3.484 by PROVEAN in silico analysis. Based on insufficient or conflicting evidence, the clinical significance of this alteration remains unclear.